The following is an entry in ClinVar:

ClinVar aggregate classification (germline): Uncertain significance (1 of 4 stars; one submission).

Conditions:
Cardiomyopathy (CMYO). Also called: Cardiomyopathies. Identifiers: Orphanet 167848, MedGen C0878544, MONDO:0004994, HP:0001638. Inheritance: Various modes of inheritance.

Allele frequency attached by ClinVar (database versions not stated): TOPMed below 0.00001.
gnomAD v4.1: 1 of 1,613,582 alleles (0.000062%); no homozygotes.

Submission:

Color Diagnostics, LLC DBA Color Health
Classification: Uncertain significance for Cardiomyopathy. Last evaluated: 2019-09-04. Review status: criteria provided, single submitter. Criteria: ACMG Guidelines, 2015. Collection method: clinical testing. Allele origin: germline.
Comment: This variant is located in the 3' untranslated region of the LMNA gene. To our knowledge, functional studies have not been performed for this variant. This variant has not been reported in individuals affected with cardiovascular disorders in the literature. This variant has not been identified in the general population by the Genome Aggregation Database (gnomAD). The available evidence is insufficient to determine the role of this variant in disease conclusively. Therefore, this variant is classified as a Variant of Uncertain Significance.

NM_170707.4(LMNA):c.*5G>A

Gene: LMNA (lamin A/C; plus strand). Cytogenetic location: 1q22.
Variant type: single nucleotide variant.
Coding change: c.*5G>A on transcript NM_170707.4 (MANE Select); 5 bases downstream of the stop codon, G replaced by A.
Molecular consequence: 3 prime UTR variant. On other transcripts: intron variant (1).
Genome position (GRCh38, 1-based): chr1:156,139,111, G>A. VCF-style: chr1-156139111-G-A. GRCh37 (hg19) VCF-style: chr1-156108902-G-A.
Other names: c.*5G>A (NM_001282626.2, NM_170708.4); c.1655+9G>A (NM_001257374.3).
Identifiers: ClinVar variation 927902 (VCV000927902.3), dbSNP rs1651907818, ClinGen allele CA1139656354.